The following is an entry in ClinVar:

NM_001267550.2(TTN):c.58172del (p.Asp19391fs)

Genes: TTN-AS1 (TTN antisense RNA 1; plus strand), TTN (titin; minus strand). Cytogenetic location: 2q31.2.
Variant type: Deletion.
Coding change: c.58172del on transcript NM_001267550.2 (MANE Select); coding-DNA position 58172, one base deleted (A; older notation c.58172delA).
Protein change: p.Asp19391fs; shifts the reading frame from aspartic acid 19391.
Molecular consequence: frameshift variant.
Genome position (GRCh38, 1-based): chr2:178,594,221, T deleted on the plus strand (A on the coding strand, the reverse complement: TTN is on the minus strand). VCF-style (leftmost placement, unchanged base first): chr2-178594220-GT-G. GRCh37 (hg19) VCF-style: chr2-179458947-GT-G.
Other names: c.53249del, p.Asp17750fs (NM_001256850.1); c.30977del, p.Asp10326fs (NM_003319.4); c.50468del, p.Asp16823fs (NM_133378.4); c.31352del, p.Asp10451fs (NM_133432.3); c.31553del, p.Asp10518fs (NM_133437.4); c.58172delA (LRG_391t1); short protein forms D16823fs, D19391fs, D10518fs, D17750fs, D10326fs, D10451fs.
Identifiers: ClinVar variation 223312 (VCV000223312.1), dbSNP rs869312072, ClinGen allele CA353094.

ClinVar aggregate classification (germline): Likely pathogenic (1 of 4 stars; one submission).

Conditions:
Primary dilated cardiomyopathy (DCM). Also called: Dilated Cardiomyopathy. Identifiers: Orphanet 217604, MedGen C0007193, MeSH D002311, MONDO:0005021, HP:0001644. Inheritance: Various modes of inheritance.

Submission:

Cardiovascular Biomedical Research Unit, Royal Brompton & Harefield NHS Foundation Trust
Classification: Likely pathogenic for Primary dilated cardiomyopathy. Last evaluated: 2014-10-08. Review status: criteria provided, single submitter. Criteria: Roberts et al. 2015. Collection method: research. Allele origin: germline. Inheritance: Autosomal dominant inheritance. Affected: yes. Observed: 1 variant allele. Study: Endstage DCM.
Comment: In the seven cohorts assessed, TTNtv were found in 14% of ambulant DCM, 22% end-stage or familial DCM, and 2% controls. Heterozygous nonsense, frameshift and canonical splice-disrupting variants found in constitutive and other highly utilised exons are highly likely to be pathogenic when identified in individuals with phenotypically confirmed DCM. TTNtv found incidentally in healthy individuals (excluding familial assessment of DCM relatives) are thought to have low penetrance, particularly when identified in exons that are not constitutively expressed in the heart.